The following is an entry in ClinVar:

NM_002137.4(HNRNPA2B1):c.*9C>A

Gene: HNRNPA2B1 (heterogeneous nuclear ribonucleoprotein A2/B1; minus strand). Cytogenetic location: 7p15.2.
Variant type: single nucleotide variant.
Coding change: c.*9C>A on transcript NM_002137.4 (MANE Select); 9 bases downstream of the stop codon, C replaced by A.
Molecular consequence: 3 prime UTR variant.
Genome position (GRCh38, 1-based): chr7:26,192,507, G>T on the plus strand (C>A on the coding strand, the complement: HNRNPA2B1 is on the minus strand). VCF-style: chr7-26192507-G-T. GRCh37 (hg19) VCF-style: chr7-26232127-G-T.
Other names: c.*9C>A (NM_031243.4).
Identifiers: ClinVar variation 3051995 (VCV003051995.2), dbSNP rs772119326, ClinGen allele CA2740097330.

ClinVar aggregate classification (germline): Likely benign (0 of 4 stars; one submission).

Conditions:
HNRNPA2B1-related disorder. Also called: HNRNPA2B1-related condition.

Submission:

PreventionGenetics, part of Exact Sciences
Classification: Likely benign for HNRNPA2B1-related condition. Last evaluated: 2023-04-21. Review status: no assertion criteria provided. Collection method: clinical testing. Allele origin: germline.
Comment: This variant is classified as likely benign based on ACMG/AMP sequence variant interpretation guidelines (Richards et al. 2015 PMID: 25741868, with internal and published modifications).